The following is an entry in ClinVar:

NM_001005361.3(DNM2):c.2378T>C (p.Leu793Pro)

Gene: DNM2 (dynamin 2; plus strand). Cytogenetic location: 19p13.2.
Variant type: single nucleotide variant.
Coding change: c.2378T>C on transcript NM_001005361.3 (MANE Select); coding-DNA position 2378, T replaced by C.
Protein change: p.Leu793Pro; replaces leucine 793 with proline.
Molecular consequence: missense variant.
Genome position (GRCh38, 1-based): chr19:10,830,213, T>C. VCF-style: chr19-10830213-T-C. GRCh37 (hg19) VCF-style: chr19-10940889-T-C.
Other names: c.2378T>C, p.Leu793Pro (NM_001005360.3, NM_001190716.2); c.2366T>C, p.Leu789Pro (NM_001005362.3, NM_004945.4); short protein forms L793P, L789P.
Identifiers: ClinVar variation 1790391 (VCV001790391.5), dbSNP rs770094932, ClinGen allele CA9201608.
Genomic context (GRCh38, chr19:10,830,213, plus strand): 5'-CCAGCATACACCCCCCTGGCCGGCCCCCAGCAGTGAGGGGCCCCACTCCAGGGCCCCCCC[T>C]GATTCCTGTTCCCGTGGGGGCAGCAGCCTCCTTCTCGGCGCCCCCAATCCCATCCCGGCC-3'
Protein context (NP_001005361.1, residues 783-803): AVRGPTPGPP[Leu793Pro]IPVPVGAAAS

ClinVar aggregate classification (germline): Uncertain significance. Review status: criteria provided, multiple submitters, no conflicts (2 of 4 stars). 2 submissions from 2 submitters: Uncertain significance (2). Last evaluated 2023-06-21.

Conditions:
Inborn genetic diseases. Identifiers: MedGen C0950123, MeSH D030342.
Charcot-Marie-Tooth disease dominant intermediate B (CMTDIB). Also called: CHARCOT-MARIE-TOOTH NEUROPATHY, DOMINANT INTERMEDIATE B; Charcot-Marie-Tooth disease dominant intermediate I; Charcot-Marie-Tooth disease dominant intermediate 1; CMT DI1. Identifiers: Orphanet 100044, Orphanet 228179, MedGen C1847902, MONDO:0011674, OMIM 606482.

Allele frequency attached by ClinVar (database versions not stated): ExAC 0.00001; gnomAD 0.00001; gnomAD exomes 0.00001; TOPMed 0.00001.
gnomAD v4.1: 9 of 1,613,616 alleles (0.00056%); highest among the groups gnomAD compares: Middle Eastern, 0.016%; no homozygotes.

Submissions (2):

Labcorp Genetics (formerly Invitae), Labcorp
Classification: Uncertain significance for Charcot-Marie-Tooth disease dominant intermediate B. Last evaluated: 2023-06-21. Review status: criteria provided, single submitter. Criteria: Invitae Variant Classification Sherloc (09022015). Collection method: clinical testing. Allele origin: germline.
Comment: This sequence change replaces leucine, which is neutral and non-polar, with proline, which is neutral and non-polar, at codon 793 of the DNM2 protein (p.Leu793Pro). This variant is present in population databases (rs770094932, gnomAD 0.002%). This variant has not been reported in the literature in individuals affected with DNM2-related conditions. ClinVar contains an entry for this variant (Variation ID: 1790391). Advanced modeling of protein sequence and biophysical properties (such as structural, functional, and spatial information, amino acid conservation, physicochemical variation, residue mobility, and thermodynamic stability) has been performed at Invitae for this missense variant, however the output from this modeling did not meet the statistical confidence thresholds required to predict the impact of this variant on DNM2 protein function. In summary, the available evidence is currently insufficient to determine the role of this variant in disease. Therefore, it has been classified as a Variant of Uncertain Significance.

Ambry Genetics
Classification: Uncertain significance for Inborn genetic diseases. Last evaluated: 2019-09-23. Review status: criteria provided, single submitter. Criteria: Ambry Variant Classification Scheme 2023. Collection method: clinical testing. Allele origin: germline.
Comment: The p.L793P variant (also known as c.2378T>C), located in coding exon 20 of the DNM2 gene, results from a T to C substitution at nucleotide position 2378. The leucine at codon 793 is replaced by proline, an amino acid with similar properties. This amino acid position is well conserved in available vertebrate species. In addition, the in silico prediction for this alteration is inconclusive. Since supporting evidence is limited at this time, the clinical significance of this alteration remains unclear.